The following is an entry in ClinVar:

NM_001164586.2(IGFN1):c.5424A>G (p.Val1808=)

Gene: IGFN1 (immunoglobulin like and fibronectin type III domain containing 1; plus strand). Cytogenetic location: 1q32.1.
Variant type: single nucleotide variant.
Coding change: c.5424A>G on transcript NM_001164586.2 (MANE Select); coding-DNA position 5424, A replaced by G.
Protein change: p.Val1808=; no amino-acid change (valine 1808 retained).
Molecular consequence: synonymous variant. On other transcripts: intron variant (1).
Genome position (GRCh38, 1-based): chr1:201,210,317, A>G. VCF-style: chr1-201210317-A-G. GRCh37 (hg19) VCF-style: chr1-201179445-A-G.
Other names: c.1242-3189A>G (NM_001367841.1).
Identifiers: ClinVar variation 2639756 (VCV002639756.24), dbSNP rs1667683988, ClinGen allele CA422818344.

ClinVar aggregate classification (germline): Likely benign (1 of 4 stars; one submission).

Submission:

CeGaT Center for Human Genetics Tuebingen
Classification: Likely benign. Last evaluated: 2025-09-01. Review status: criteria provided, single submitter. Criteria: CeGaT Center For Human Genetics Tuebingen Variant Classification Criteria Version 2. Collection method: clinical testing. Allele origin: germline. Affected: yes. Observed: 4 variant alleles.
Comment: IGFN1: PM2:Supporting, BP4, BP7